The following is an entry in ClinVar:

NM_001081.4(CUBN):c.5926+5G>A

Gene: CUBN (cubilin; minus strand). Cytogenetic location: 10p13.
Variant type: single nucleotide variant.
Coding change: c.5926+5G>A on transcript NM_001081.4 (MANE Select); 5 bases into the intron after coding-DNA position 5926, G replaced by A.
Molecular consequence: intron variant.
Genome position (GRCh38, 1-based): chr10:16,937,587, C>T on the plus strand (G>A on the coding strand, the complement: CUBN is on the minus strand). VCF-style: chr10-16937587-C-T. GRCh37 (hg19) VCF-style: chr10-16979586-C-T.
Identifiers: ClinVar variation 299449 (VCV000299449.19), dbSNP rs143301088, ClinGen allele CA5423873.

ClinVar aggregate classification (germline): Conflicting classifications of pathogenicity. Review status: criteria provided, conflicting classifications (1 of 4 stars). 6 submissions from 6 submitters: Uncertain significance (3); Likely benign (2). 1 of the submissions does not count toward it. Last evaluated 2026-02-02.

Conditions:
CUBN-related disorder. Also called: CUBN-related condition.
Imerslund-Grasbeck syndrome. Also called: ENTEROCYTE COBALAMIN MALABSORPTION; ENTEROCYTE INTRINSIC FACTOR RECEPTOR, DEFECT OF; Imerslund-Gräsbeck syndrome; PERNICIOUS ANEMIA, JUVENILE, DUE TO SELECTIVE INTESTINAL MALABSORPTION OF VITAMIN B12, WITH PROTEINURIA; Megaloblastic anemia due to inborn errors of metabolism. Identifiers: Orphanet 35858, MedGen C4551825, MONDO:0009853.
Imerslund-Grasbeck syndrome type 1 (IGS1). Also called: Megaloblastic anemia 1, Finnish type; MEGALOBLASTIC ANEMIA, 1; Imerslund-Gräsbeck syndrome 1. Identifiers: MedGen C4016819, MONDO:0100156, OMIM 261100.

Allele frequency attached by ClinVar (database versions not stated): gnomAD 0.00019; ExAC 0.00040; gnomAD exomes 0.00056; 1000 Genomes Project 0.00060; 1000 Genomes Project 30x 0.00062; TOPMed 0.00063.
gnomAD v4.1: 241 of 1,613,324 alleles (0.015%); highest among the groups gnomAD compares: Admixed American, 0.34%; no homozygotes.

Submissions (7):

Labcorp Genetics (formerly Invitae), Labcorp
Classification: Likely benign for Imerslund-Grasbeck syndrome. Last evaluated: 2026-02-02. Review status: criteria provided, single submitter. Criteria: Invitae Variant Classification Sherloc (09022015). Collection method: clinical testing. Allele origin: germline.

Blueprint Genetics
Classification: Uncertain significance. Last evaluated: 2024-10-03. Review status: criteria provided, single submitter. Criteria: ACMG Guidelines, 2015. Collection method: clinical testing. Allele origin: germline.

Mayo Clinic Laboratories, Mayo Clinic
Classification: Uncertain significance. Last evaluated: 2024-08-15. Review status: criteria provided, single submitter. Criteria: ACMG Guidelines, 2015. Collection method: clinical testing. Allele origin: germline. Observed: 1 variant allele.
Comment: BS1, PP3

ARUP Laboratories, Molecular Genetics and Genomics, ARUP Laboratories
Classification: Uncertain significance. Last evaluated: 2023-10-14. Review status: criteria provided, single submitter. Criteria: ARUP Molecular Germline Variant Investigation Process 2024. Collection method: clinical testing. Allele origin: germline.
Comment: The CUBN c.5926+5G>A variant (rs143301088), to our knowledge, is not reported in the medical literature but is reported in ClinVar (Variation ID: 299449). This variant is found in the Admixed American population with an allele frequency of 0.4% (136/5,372 alleles) in the Genome Aggregation Database. This is an intronic variant in a highly conserved nucleotide, and computational analyses (Alamut v.2.11) predict that this variant may impact splicing by weakening the nearby canonical donor splice site. Due to limited information, the clinical significance of the c.5926+5G>A variant is uncertain at this time.

Illumina Laboratory Services, Illumina
Classification: Likely benign for Imerslund-Grasbeck syndrome type 1. Last evaluated: 2018-01-13. Review status: criteria provided, single submitter. Criteria: ICSL Variant Classification Criteria 13 December 2019. Collection method: clinical testing. Allele origin: germline.
Comment: This variant was observed in the ICSL laboratory as part of a predisposition screen in an ostensibly healthy population. It had not been previously curated by ICSL or reported in the Human Gene Mutation Database (HGMD: prior to June 1st, 2018), and was therefore a candidate for classification through an automated scoring system. Utilizing variant allele frequency, disease prevalence and penetrance estimates, and inheritance mode, an automated score was calculated to assess if this variant is too frequent to cause the disease. Based on the score and internal cut-off values, a variant classified as likely benign is not then subjected to further curation. The score for this variant resulted in a classification of likely benign for this disease.

PreventionGenetics, part of Exact Sciences
Classification: Likely benign for CUBN-related condition. Last evaluated: 2019-05-27. Review status: no assertion criteria provided. Collection method: clinical testing. Allele origin: germline. Not counted in ClinVar's aggregate classification.
Comment: This variant is classified as likely benign based on ACMG/AMP sequence variant interpretation guidelines (Richards et al. 2015 PMID: 25741868, with internal and published modifications).

Dr. Peter K. Rogan Lab, Western University
No classification provided (evidence only). Condition: Clear cell carcinoma of kidney. Review status: no classification provided. Collection method: in vitro. Allele origin: not applicable. Functional consequence: skipped exon, retained intron. Not counted in ClinVar's aggregate classification.